The following is an entry in ClinVar:

NM_198578.4(LRRK2):c.5702AAG[1] (p.Glu1902del)

Gene: LRRK2 (leucine rich repeat kinase 2; plus strand). Cytogenetic location: 12q12.
Variant type: Microsatellite.
Coding change: c.5702AAG[1] on transcript NM_198578.4 (MANE Select); one copy of the 3-base unit AAG starting at c.5702; the reference has two copies in a row; one copy, 3 bases deleted.
Protein change: p.Glu1902del; deletes glutamic acid 1902.
Molecular consequence: inframe deletion.
Genome position (GRCh38, 1-based): chr12:40,328,408-40,328,410, AAG deleted; deleting any 3 consecutive bases within chr12:40,328,403-40,328,410 gives the same sequence; the position shown is the placement nearest the transcript's 3' end. VCF-style (leftmost placement, unchanged base first): chr12-40328402-GAGA-G. GRCh37 (hg19) VCF-style: chr12-40722204-GAGA-G.
Other names: short protein forms E1902del.
Identifiers: ClinVar variation 1948969 (VCV001948969.5), dbSNP rs759251642, ClinGen allele CA6514519.

ClinVar aggregate classification (germline): Uncertain significance (1 of 4 stars; one submission).

Conditions:
Autosomal dominant Parkinson disease 8. Also called: Parkinson disease 8, susceptibility to; LRRK2-Related Parkinson Disease; Parkinson disease 8. Identifiers: Orphanet 411602, MedGen C1846862, MONDO:0011764, OMIM 607060.

Submission:

Labcorp Genetics (formerly Invitae), Labcorp
Classification: Uncertain significance for Autosomal dominant Parkinson disease 8. Last evaluated: 2021-12-23. Review status: criteria provided, single submitter. Criteria: Invitae Variant Classification Sherloc (09022015). Collection method: clinical testing. Allele origin: germline.
Comment: This variant, c.5705_5707del, results in the deletion of 1 amino acid(s) of the LRRK2 protein (p.Glu1902del), but otherwise preserves the integrity of the reading frame. This variant is present in population databases (rs759251642, gnomAD 0.0009%). This variant has not been reported in the literature in individuals affected with LRRK2-related conditions. Experimental studies and prediction algorithms are not available or were not evaluated, and the functional significance of this variant is currently unknown. In summary, the available evidence is currently insufficient to determine the role of this variant in disease. Therefore, it has been classified as a Variant of Uncertain Significance.